The following is an entry in ClinVar:

NM_006736.6(DNAJB2):c.662G>A (p.Arg221His)

Gene: DNAJB2 (DnaJ heat shock protein family (Hsp40) member B2; plus strand). Cytogenetic location: 2q35.
Variant type: single nucleotide variant.
Coding change: c.662G>A on transcript NM_006736.6 (MANE Select); coding-DNA position 662, G replaced by A.
Protein change: p.Arg221His; replaces arginine 221 with histidine.
Molecular consequence: missense variant.
Genome position (GRCh38, 1-based): chr2:219,284,674, G>A. VCF-style: chr2-219284674-G-A. GRCh37 (hg19) VCF-style: chr2-220149396-G-A.
Other names: c.662G>A, p.Arg221His (NM_001039550.2); short protein forms R221H.
Identifiers: ClinVar variation 1754566 (VCV001754566.2), dbSNP rs749289057, ClinGen allele CA2123076.

ClinVar aggregate classification (germline): Uncertain significance (1 of 4 stars; one submission).

Conditions:
Inborn genetic diseases. Identifiers: MedGen C0950123, MeSH D030342.

Allele frequency attached by ClinVar (database versions not stated): ExAC 0.00001; gnomAD 0.00001; gnomAD exomes 0.00001; TOPMed 0.00002.
gnomAD v4.1: 16 of 1,607,340 alleles (0.001%); highest among the groups gnomAD compares: Middle Eastern, 0.018%; no homozygotes.

Submission:

Ambry Genetics
Classification: Uncertain significance for Inborn genetic diseases. Last evaluated: 2021-07-23. Review status: criteria provided, single submitter. Criteria: Ambry Variant Classification Scheme 2023. Collection method: clinical testing. Allele origin: germline.
Comment: The p.R221H variant (also known as c.662G>A), located in coding exon 8 of the DNAJB2 gene, results from a G to A substitution at nucleotide position 662. The arginine at codon 221 is replaced by histidine, an amino acid with highly similar properties. This amino acid position is conserved. In addition, the in silico prediction for this alteration is inconclusive. Since supporting evidence is limited at this time, the clinical significance of this alteration remains unclear.